The following is an entry in ClinVar:

ClinVar aggregate classification (germline): Benign (1 of 4 stars; one submission).

Conditions:
Rhizomelic chondrodysplasia punctata type 3 (RCDP3). Also called: ALKYLDIHYDROXYACETONEPHOSPHATE SYNTHASE DEFICIENCY; Alkylglycerone Phosphate Synthase (AGPS) deficiency. Identifiers: Orphanet 177, Orphanet 309803, MedGen C1838612, MONDO:0010823, OMIM 600121. Disease mechanism: loss of function.

Allele frequency attached by ClinVar (database versions not stated): TOPMed 0.01622; 1000 Genomes Project 0.01637; 1000 Genomes Project 30x 0.01733.
gnomAD v4.1: 2,358 of 293,542 alleles (0.8%); highest among the groups gnomAD compares: African/African-American, 4.8%; 45 homozygotes.

Submission:

Illumina Laboratory Services, Illumina
Classification: Benign for Rhizomelic chondrodysplasia punctata type 3. Last evaluated: 2018-01-13. Review status: criteria provided, single submitter. Criteria: ICSL Variant Classification Criteria 13 December 2019. Collection method: clinical testing. Allele origin: germline.
Comment: This variant was observed in the ICSL laboratory as part of a predisposition screen in an ostensibly healthy population. It had not been previously curated by ICSL or reported in the Human Gene Mutation Database (HGMD: prior to June 1st, 2018), and was therefore a candidate for classification through an automated scoring system. Utilizing variant allele frequency, disease prevalence and penetrance estimates, and inheritance mode, an automated score was calculated to assess if this variant is too frequent to cause the disease. Based on the score and internal cut-off values, a variant classified as benign is not then subjected to further curation. The score for this variant resulted in a classification of benign for this disease.

NM_003659.4(AGPS):c.*377C>G

Gene: AGPS (alkylglycerone phosphate synthase; plus strand). Cytogenetic location: 2q31.2.
Variant type: single nucleotide variant.
Coding change: c.*377C>G on transcript NM_003659.4 (MANE Select); 377 bases downstream of the stop codon, C replaced by G.
Molecular consequence: 3 prime UTR variant.
Genome position (GRCh38, 1-based): chr2:177,538,572, C>G. VCF-style: chr2-177538572-C-G. GRCh37 (hg19) VCF-style: chr2-178403300-C-G.
Identifiers: ClinVar variation 332528 (VCV000332528.5), dbSNP rs112754713, ClinGen allele CA10611468.
Genomic context (GRCh38, chr2:177,538,572, plus strand): 5'-TTGGGGAACAAAGACAGATTTGGTATCATTGATTGCTCAGCTAGCCTCTTTTTAAAAGAA[C>G]GTTTCTGGGAATCAGATGTCTAGGGAAGGATTCCACTGAGGAGTGATACACGTGTACATT-3'